The following is an entry in ClinVar:

ClinVar aggregate classification (germline): Uncertain significance. Review status: criteria provided, multiple submitters, no conflicts (2 of 4 stars). 4 submissions from 4 submitters: Uncertain significance (4). Last evaluated 2026-05-01.

Conditions:
Cortical dysplasia-focal epilepsy syndrome (PTHSL1). Also called: Pitt-Hopkins-like syndrome 1. Identifiers: Orphanet 163681, Orphanet 221150, MedGen C2750246, MONDO:0012400, OMIM 610042.
Inborn genetic diseases. Identifiers: MedGen C0950123, MeSH D030342.

Allele frequency attached by ClinVar (database versions not stated): ExAC 0.00002; gnomAD 0.00002; gnomAD exomes 0.00002 and 0.00004; TOPMed 0.00003.
gnomAD v4.1: 29 of 1,614,064 alleles (0.0018%); highest among the groups gnomAD compares: Non-Finnish European, 0.0024%; no homozygotes.

Submissions (4):

CeGaT Center for Human Genetics Tuebingen
Classification: Uncertain significance. Last evaluated: 2026-05-01. Review status: criteria provided, single submitter. Criteria: CeGaT Center For Human Genetics Tuebingen Variant Classification Criteria Version 2. Collection method: clinical testing. Allele origin: germline. Affected: yes. Observed: 1 variant allele.
Comment: CNTNAP2: PM2, BP4

Ambry Genetics
Classification: Uncertain significance for Inborn genetic diseases. Last evaluated: 2023-05-05. Review status: criteria provided, single submitter. Criteria: Ambry Variant Classification Scheme 2023. Collection method: clinical testing. Allele origin: germline.

Labcorp Genetics (formerly Invitae), Labcorp
Classification: Uncertain significance for Cortical dysplasia-focal epilepsy syndrome. Last evaluated: 2022-07-25. Review status: criteria provided, single submitter. Criteria: Invitae Variant Classification Sherloc (09022015). Collection method: clinical testing. Allele origin: germline.
Comment: This sequence change replaces isoleucine, which is neutral and non-polar, with valine, which is neutral and non-polar, at codon 288 of the CNTNAP2 protein (p.Ile288Val). This variant is present in population databases (rs757316182, gnomAD 0.009%). This variant has not been reported in the literature in individuals affected with CNTNAP2-related conditions. ClinVar contains an entry for this variant (Variation ID: 1054748). Algorithms developed to predict the effect of missense changes on protein structure and function (SIFT, PolyPhen-2, Align-GVGD) all suggest that this variant is likely to be tolerated. In summary, the available evidence is currently insufficient to determine the role of this variant in disease. Therefore, it has been classified as a Variant of Uncertain Significance.

GeneDx
Classification: Uncertain significance. Last evaluated: 2021-09-17. Review status: criteria provided, single submitter. Criteria: GeneDx Variant Classification Process June 2021. Collection method: clinical testing. Allele origin: germline. Affected: yes.
Comment: Not observed at significant frequency in large population cohorts (Lek et al., 2016); In silico analysis supports that this missense variant does not alter protein structure/function; Has not been previously published as pathogenic or benign to our knowledge

NM_014141.6(CNTNAP2):c.862A>G (p.Ile288Val)

Gene: CNTNAP2 (contactin associated protein 2; plus strand). Cytogenetic location: 7q35.
Variant type: single nucleotide variant.
Coding change: c.862A>G on transcript NM_014141.6 (MANE Select); coding-DNA position 862, A replaced by G.
Protein change: p.Ile288Val; replaces isoleucine 288 with valine.
Molecular consequence: missense variant.
Genome position (GRCh38, 1-based): chr7:147,121,086, A>G. VCF-style: chr7-147121086-A-G. GRCh37 (hg19) VCF-style: chr7-146818178-A-G.
Other names: short protein forms I288V.
Identifiers: ClinVar variation 1054748 (VCV001054748.12), dbSNP rs757316182, ClinGen allele CA4545906.